The following is an entry in ClinVar:

ClinVar aggregate classification (germline): Uncertain significance. Review status: criteria provided, single submitter (1 of 4 stars). 2 submissions from 2 submitters: Uncertain significance (1). 1 of the submissions does not count toward it. Last evaluated 2023-08-17.

Conditions:
GNE myopathy (NM). Also called: NONAKA DISTAL MYOPATHY; INCLUSION BODY MYOPATHY, HEREDITARY, AUTOSOMAL RECESSIVE; INCLUSION BODY MYOPATHY 2, AUTOSOMAL RECESSIVE; MYOPATHY, DISTAL, WITH OR WITHOUT RIMMED VACUOLES; IBM 2; Inclusion body myopathy autosomal recessive. Identifiers: Orphanet 602, MedGen C1853926, MONDO:0011603, OMIM 605820.
Sialuria. Also called: SIALURIA, FRENCH TYPE; Sialic Acid Storage Disease. Identifiers: Orphanet 3166, MedGen C0342853, MONDO:0010028, OMIM 269921.

Allele frequency attached by ClinVar (database versions not stated): gnomAD exomes below 0.00001; TOPMed below 0.00001; ExAC 0.00001.
gnomAD v4.1: 5 of 1,614,172 alleles (0.00031%); highest among the groups gnomAD compares: South Asian, 0.0011%; no homozygotes.

Submissions (2):

Labcorp Genetics (formerly Invitae), Labcorp
Classification: Uncertain significance for Sialuria; GNE myopathy. Last evaluated: 2023-08-17. Review status: criteria provided, single submitter. Criteria: Invitae Variant Classification Sherloc (09022015). Collection method: clinical testing. Allele origin: germline.
Comment: In summary, the available evidence is currently insufficient to determine the role of this variant in disease. Therefore, it has been classified as a Variant of Uncertain Significance. Advanced modeling of protein sequence and biophysical properties (such as structural, functional, and spatial information, amino acid conservation, physicochemical variation, residue mobility, and thermodynamic stability) has been performed at Invitae for this missense variant, however the output from this modeling did not meet the statistical confidence thresholds required to predict the impact of this variant on GNE protein function. This variant has not been reported in the literature in individuals affected with GNE-related conditions. This variant is present in population databases (rs753313170, gnomAD 0.0009%). This sequence change replaces lysine, which is basic and polar, with glutamic acid, which is acidic and polar, at codon 563 of the GNE protein (p.Lys563Glu).

Natera, Inc.
Classification: Uncertain significance for Nonaka myopathy. Last evaluated: 2025-03-31. Review status: no assertion criteria provided. Collection method: clinical testing. Allele origin: germline. Not counted in ClinVar's aggregate classification.

NM_005476.7(GNE):c.1594A>G (p.Lys532Glu)

Gene: GNE (glucosamine (UDP-N-acetyl)-2-epimerase/N-acetylmannosamine kinase; minus strand). Cytogenetic location: 9p13.3.
Variant type: single nucleotide variant.
Coding change: c.1594A>G on transcript NM_005476.7 (MANE Select); coding-DNA position 1594, A replaced by G.
Protein change: p.Lys532Glu; replaces lysine 532 with glutamic acid.
Molecular consequence: missense variant. On other transcripts: intron variant (1).
Genome position (GRCh38, 1-based): chr9:36,222,816, T>C on the plus strand (A>G on the coding strand, the complement: GNE is on the minus strand). VCF-style: chr9-36222816-T-C. GRCh37 (hg19) VCF-style: chr9-36222813-T-C.
Other names: c.1417A>G, p.Lys473Glu (NM_001374798.1, NM_001190388.2); c.1411+557A>G (NM_001190383.3); c.1687A>G, p.Lys563Glu (NM_001128227.3); c.1264A>G, p.Lys422Glu (NM_001190384.3); c.1441A>G, p.Lys481Glu (NM_001374797.1); c.1687A>G (NM_001128227.2); short protein forms K422E, K473E, K481E, K563E, K532E.
Identifiers: ClinVar variation 2935819 (VCV002935819.4), dbSNP rs753313170, ClinGen allele CA5056464.